The following is an entry in ClinVar:

ClinVar aggregate classification (germline): Uncertain significance (1 of 4 stars; one submission).

Conditions:
POLD1-related polyposis and colorectal cancer syndrome (CRCS10). Also called: Colorectal cancer 10; COLORECTAL CANCER, SUSCEPTIBILITY TO, ON CHROMOSOME 19q; Colorectal cancer, susceptibility to, 10. Identifiers: Orphanet 220460, MedGen C2675481, MONDO:0012953, OMIM 612591.

Submission:

Labcorp Genetics (formerly Invitae), Labcorp
Classification: Uncertain significance for POLD1-related polyposis and colorectal cancer syndrome. Last evaluated: 2022-12-18. Review status: criteria provided, single submitter. Criteria: Invitae Variant Classification Sherloc (09022015). Collection method: clinical testing. Allele origin: germline.
Comment: In summary, the available evidence is currently insufficient to determine the role of this variant in disease. Therefore, it has been classified as a Variant of Uncertain Significance. This sequence change replaces alanine, which is neutral and non-polar, with aspartic acid, which is acidic and polar, at codon 221 of the POLD1 protein (p.Ala221Asp). This variant is not present in population databases (gnomAD no frequency). This variant has not been reported in the literature in individuals affected with POLD1-related conditions. Advanced modeling of protein sequence and biophysical properties (such as structural, functional, and spatial information, amino acid conservation, physicochemical variation, residue mobility, and thermodynamic stability) has been performed at Invitae for this missense variant, however the output from this modeling did not meet the statistical confidence thresholds required to predict the impact of this variant on POLD1 protein function.

NM_002691.4(POLD1):c.662C>A (p.Ala221Asp)

Gene: POLD1 (DNA polymerase delta 1, catalytic subunit; plus strand). Cytogenetic location: 19q13.33.
Variant type: single nucleotide variant.
Coding change: c.662C>A on transcript NM_002691.4 (MANE Select); coding-DNA position 662, C replaced by A.
Protein change: p.Ala221Asp; replaces alanine 221 with aspartic acid.
Molecular consequence: missense variant. On other transcripts: non-coding transcript variant (1).
Genome position (GRCh38, 1-based): chr19:50,402,277, C>A. VCF-style: chr19-50402277-C-A. GRCh37 (hg19) VCF-style: chr19-50905534-C-A.
Other names: c.662C>A, p.Ala221Asp (NM_001256849.1, NM_001308632.1); short protein forms A221D.
Identifiers: ClinVar variation 2822005 (VCV002822005.3), dbSNP rs2122244950, ClinGen allele CA406974204.
Genomic context (GRCh38, chr19:50,402,277, plus strand): 5'-ACCACGGGCACGGCCCCTCCCCGTTCCTGCGCATCACCGTGGCGCTGCCGCGCCTCGTGG[C>A]CCCGGCCCGCCGTCTCCTGGAACAGGGCATCCGTGTGGCAGGCCTGGGCACGCCCAGCTT-3'
Protein context (NP_002682.2, residues 211-231): RITVALPRLV[Ala221Asp]PARRLLEQGI